The following is an entry in ClinVar:

ClinVar aggregate classification (germline): Uncertain significance. Review status: criteria provided, multiple submitters, no conflicts (2 of 4 stars). 2 submissions from 2 submitters: Uncertain significance (2). Last evaluated 2024-09-27.

Conditions:
Inborn genetic diseases. Identifiers: MedGen C0950123, MeSH D030342.

Submissions (2):

Ambry Genetics
Classification: Uncertain significance for Inborn genetic diseases. Last evaluated: 2024-09-27. Review status: criteria provided, single submitter. Criteria: Ambry Variant Classification Scheme 2023. Collection method: clinical testing. Allele origin: germline.
Comment: The p.G200D variant (also known as c.599G>A), located in coding exon 5 of the SLC9A6 gene, results from a G to A substitution at nucleotide position 599. The glycine at codon 200 is replaced by aspartic acid, an amino acid with similar properties. This amino acid position is highly conserved in available vertebrate species. In addition, this alteration is predicted to be deleterious by in silico analysis. Since supporting evidence is limited at this time, the clinical significance of this alteration remains unclear.

GeneDx
Classification: Uncertain significance. Last evaluated: 2022-07-07. Review status: criteria provided, single submitter. Criteria: GeneDx Variant Classification Process June 2021. Collection method: clinical testing. Allele origin: germline. Affected: yes.
Comment: Not observed at significant frequency in large population cohorts (gnomAD); In silico analysis supports that this missense variant has a deleterious effect on protein structure/function; Has not been previously published as pathogenic or benign to our knowledge

NM_001379110.1(SLC9A6):c.539G>A (p.Gly180Asp)

Gene: SLC9A6 (solute carrier family 9 member A6; plus strand). Cytogenetic location: Xq26.3.
Variant type: single nucleotide variant.
Coding change: c.539G>A on transcript NM_001379110.1 (MANE Select); coding-DNA position 539, G replaced by A.
Protein change: p.Gly180Asp; replaces glycine 180 with aspartic acid.
Molecular consequence: missense variant.
Genome position (GRCh38, 1-based): chrX:135,998,870, G>A. VCF-style: chrX-135998870-G-A. GRCh37 (hg19) VCF-style: chrX-135081029-G-A.
Other names: c.695G>A, p.Gly232Asp (NM_001042537.2); c.539G>A, p.Gly180Asp (NM_001177651.2, NM_001400909.1, NM_001400910.1 and 2 more transcripts); c.443G>A, p.Gly148Asp (NM_001330652.2, NM_001400913.1); c.599G>A, p.Gly200Asp (NM_006359.3); short protein forms G148D, G180D, G232D, G200D.
Identifiers: ClinVar variation 1750941 (VCV001750941.4), dbSNP rs2521188381, ClinGen allele CA414750091.